The following is an entry in ClinVar:

NM_000069.3(CACNA1S):c.1370_1373delinsTGCA (p.Pro457_Leu458delinsLeuHis)

Gene: CACNA1S (calcium voltage-gated channel subunit alpha1 S; minus strand). Cytogenetic location: 1q32.1.
Variant type: Indel.
Coding change: c.1370_1373delinsTGCA on transcript NM_000069.3 (MANE Select); coding-DNA positions 1370 to 1373, CTCT replaced by TGCA.
Protein change: p.Pro457_Leu458delinsLeuHis.
Molecular consequence: missense variant.
Genome position (GRCh38, 1-based): chr1:201,083,182-201,083,185, AGAG replaced by TGCA on the plus strand (CTCT replaced by TGCA on the coding strand, the reverse complement: CACNA1S is on the minus strand). VCF-style: chr1-201083182-AGAG-TGCA. GRCh37 (hg19) VCF-style: chr1-201052310-AGAG-TGCA.
Identifiers: ClinVar variation 4757963 (VCV004757963.1).

ClinVar aggregate classification (germline): Uncertain significance (1 of 4 stars; one submission).

Conditions:
Malignant hyperthermia, susceptibility to, 5 (MHS5). Also called: CACNA1S-Related Malignant Hyperthermia Susceptibility. Identifiers: Orphanet 423, MedGen C1866077, MONDO:0011163, OMIM 601887.

Submission:

Color Diagnostics, LLC DBA Color Health
Classification: Uncertain significance for Malignant hyperthermia, susceptibility to, 5. Last evaluated: 2025-08-26. Review status: criteria provided, single submitter. Criteria: ACMG Guidelines, 2015. Collection method: clinical testing. Allele origin: germline.
Comment: This variant causes an in-frame substitution of two amino acids in the CACNA1S protein (ENST00000362061:p.Pro457_Leu458delinsLeuHis). To our knowledge, functional studies have not been reported for this variant. This variant has not been reported in individuals affected with CACNA1S-related disorders in the literature. This variant has not been identified in the general population by the Genome Aggregation Database (gnomAD). The available evidence is insufficient to determine the role of this variant in disease conclusively. Therefore, this variant is classified as a Variant of Uncertain Significance.